The following is an entry in ClinVar:

NM_001077365.2(POMT1):c.1175+1G>A

Gene: POMT1 (protein O-mannosyltransferase 1; plus strand). Cytogenetic location: 9q34.13.
Variant type: single nucleotide variant.
Coding change: c.1175+1G>A on transcript NM_001077365.2 (MANE Select); the canonical splice donor site of the intron after coding-DNA position 1175, G replaced by A.
Molecular consequence: splice donor variant. On other transcripts: intron variant (1).
Genome position (GRCh38, 1-based): chr9:131,513,332, G>A. VCF-style: chr9-131513332-G-A. GRCh37 (hg19) VCF-style: chr9-134388719-G-A.
Other names: IVS12DS, G-A, +1; c.1079+1G>A (NM_001353198.2, NM_001353197.2); c.1241+1G>A (NM_001353193.2, NM_007171.4); c.1175+1G>A (NM_001136113.2, NM_001374690.1); c.1013+1G>A (NM_001353194.2, NM_001077366.2); c.824+1G>A (NM_001374691.1, NM_001353195.2, NM_001374692.1 and 1 more transcripts); c.1085+1G>A (NM_001353196.2); c.785+1G>A (NM_001374695.1); and 5 more.
Identifiers: ClinVar variation 3251 (VCV000003251.14), dbSNP rs1051679985, ClinGen allele CA200787505.
Genomic context (GRCh38, chr9:131,513,332, plus strand): 5'-TGTGAGGCACGGGGACATGGTGCAGCTGGTCCACGGCATGACCACCCGCTCCCTGAACAC[G>A]TGAGTGTGCCCGCCGTCTGCTCTGCTGCACCTGTGGGTTTCCTCTGTGGTTCTCTGTTCA-3'

ClinVar aggregate classification (germline): Pathogenic. Review status: criteria provided, multiple submitters, no conflicts (2 of 4 stars). 4 submissions from 4 submitters: Pathogenic (3). 1 of the submissions does not count toward it. Last evaluated 2025-11-21.

Conditions:
Autosomal recessive limb-girdle muscular dystrophy type 2K. Also called: MUSCULAR DYSTROPHY-DYSTROGLYCANOPATHY (LIMB-GIRDLE), TYPE C, 1; MUSCULAR DYSTROPHY, LIMB-GIRDLE, TYPE 2K. Identifiers: Orphanet 86812, MedGen C1836373, MONDO:0012248, OMIM 609308.
Muscular dystrophy-dystroglycanopathy (congenital with impaired intellectual development), type B, 1. Also called: MUSCULAR DYSTROPHY, CONGENITAL, POMT1-RELATED; Muscular dystrophy-dystroglycanopathy (congenital with intellectual disability), type B1. Identifiers: MedGen C5436962, MONDO:0013159, OMIM 613155.
Walker-Warburg congenital muscular dystrophy. Also called: Muscular dystrophy-dystroglycanopathy, type A; Walker-Warburg syndrome. Identifiers: Orphanet 899, MedGen C0265221, MONDO:0000171.
Muscular dystrophy-dystroglycanopathy (congenital with brain and eye anomalies), type A1 (MDDGA1). Also called: Muscular dystrophy-dystroglycanopathy (congenital with brain and eye anomalies), type A, 1; Hydrocephalus, agyria and retinal dysplasia; Hard +/- E syndrome; Warburg syndrome; Chemke syndrome; Pagon syndrome. Identifiers: Orphanet 588, Orphanet 899, MedGen C4284790, MONDO:0009364, OMIM 236670.

Allele frequency attached by ClinVar (database versions not stated): gnomAD 0.00001; gnomAD exomes 0.00001; TOPMed 0.00001.
gnomAD v4.1: 22 of 1,610,716 alleles (0.0014%); highest among the groups gnomAD compares: African/African-American, 0.0027%; no homozygotes.

Submissions (4):

Labcorp Genetics (formerly Invitae), Labcorp
Classification: Pathogenic for Muscular dystrophy-dystroglycanopathy (congenital with impaired intellectual development), type B, 1; Walker-Warburg congenital muscular dystrophy; Autosomal recessive limb-girdle muscular dystrophy type 2K. Last evaluated: 2025-11-21. Review status: criteria provided, single submitter. Criteria: Invitae Variant Classification Sherloc (09022015). Collection method: clinical testing. Allele origin: germline.
Comment: This sequence change affects a donor splice site in intron 12 of the POMT1 gene. It is expected to disrupt RNA splicing. Variants that disrupt the donor or acceptor splice site typically lead to a loss of protein function (PMID: 16199547), and loss-of-function variants in POMT1 are known to be pathogenic (PMID: 12369018, 15637732, 16575835). This variant is present in population databases (no rsID available, gnomAD 0.003%). Disruption of this splice site has been observed in individual(s) with congenital muscular dystrophy (PMID: 16717220, 22323514). In at least one individual the data is consistent with being in trans (on the opposite chromosome) from a pathogenic variant. This variant is also known as IVS12+1G>A. ClinVar contains an entry for this variant (Variation ID: 3251). Algorithms developed to predict the effect of sequence changes on RNA splicing suggest that this variant may disrupt the consensus splice site. For these reasons, this variant has been classified as Pathogenic.

GeneDx
Classification: Pathogenic. Last evaluated: 2024-08-06. Review status: criteria provided, single submitter. Criteria: GeneDx Variant Classification Process June 2021. Collection method: clinical testing. Allele origin: germline. Affected: yes.
Comment: Canonical splice site variant predicted to result in an in-frame loss of the adjacent exon in a gene for which loss of function is a known mechanism of disease; Deletions involving coding exons of this gene are a known mechanism of disease (HGMD); Not observed at significant frequency in large population cohorts (gnomAD); This variant is associated with the following publications: (PMID: 25525159, 30454682, 16717220, 36980880, 18513969, 22549409, 22323514)

Baylor Genetics
Classification: Pathogenic for Muscular dystrophy-dystroglycanopathy (congenital with brain and eye anomalies), type A1. Last evaluated: 2023-06-03. Review status: criteria provided, single submitter. Criteria: ACMG Guidelines, 2015. Collection method: clinical testing. Allele origin: unknown.

OMIM
Classification: Pathogenic for MUSCULAR DYSTROPHY-DYSTROGLYCANOPATHY (CONGENITAL WITH IMPAIRED INTELLECTUAL DEVELOPMENT), TYPE B, 1. Last evaluated: 2006-05-23. Review status: no assertion criteria provided. Collection method: literature only. Allele origin: germline. Not counted in ClinVar's aggregate classification.

Literature cited by the submitters: PubMed 16199547 (cited by Labcorp Genetics (formerly Invitae), Labcorp); PubMed 12369018 (cited by Labcorp Genetics (formerly Invitae), Labcorp); PubMed 15637732 (cited by Labcorp Genetics (formerly Invitae), Labcorp); PubMed 16575835 (cited by Labcorp Genetics (formerly Invitae), Labcorp); PubMed 16717220 (cited by Labcorp Genetics (formerly Invitae), Labcorp and OMIM); PubMed 22323514 (cited by Labcorp Genetics (formerly Invitae), Labcorp).